The following is an entry in ClinVar:

ClinVar aggregate classification (germline): Uncertain significance (1 of 4 stars; one submission).

Allele frequency attached by ClinVar (database versions not stated): gnomAD exomes below 0.00001.
gnomAD v4.1: 8 of 1,610,372 alleles (0.0005%); highest among the groups gnomAD compares: Non-Finnish European, 0.00051%; no homozygotes.

Submission:

Labcorp Genetics (formerly Invitae), Labcorp
Classification: Uncertain significance. Last evaluated: 2022-09-16. Review status: criteria provided, single submitter. Criteria: Invitae Variant Classification Sherloc (09022015). Collection method: clinical testing. Allele origin: germline.
Comment: This variant is not present in population databases (gnomAD no frequency). This variant has not been reported in the literature in individuals affected with LYN-related conditions. Algorithms developed to predict the effect of missense changes on protein structure and function (SIFT, PolyPhen-2, Align-GVGD) all suggest that this variant is likely to be tolerated. In summary, the available evidence is currently insufficient to determine the role of this variant in disease. Therefore, it has been classified as a Variant of Uncertain Significance. This sequence change replaces valine, which is neutral and non-polar, with leucine, which is neutral and non-polar, at codon 169 of the LYN protein (p.Val169Leu).

NM_002350.4(LYN):c.505G>C (p.Val169Leu)

Gene: LYN (LYN proto-oncogene, Src family tyrosine kinase; plus strand). Cytogenetic location: 8q12.1.
Variant type: single nucleotide variant.
Coding change: c.505G>C on transcript NM_002350.4 (MANE Select); coding-DNA position 505, G replaced by C.
Protein change: p.Val169Leu; replaces valine 169 with leucine.
Molecular consequence: missense variant.
Genome position (GRCh38, 1-based): chr8:55,951,983, G>C. VCF-style: chr8-55951983-G-C. GRCh37 (hg19) VCF-style: chr8-56864542-G-C.
Other names: c.442G>C, p.Val148Leu (NM_001111097.3); short protein forms V169L, V148L.
Identifiers: ClinVar variation 2096662 (VCV002096662.4), dbSNP rs2487516889, ClinGen allele CA371281255.